The following is an entry in ClinVar:

ClinVar aggregate classification (germline): Pathogenic/Likely pathogenic. Review status: criteria provided, multiple submitters, no conflicts (2 of 4 stars). 8 submissions from 8 submitters: Pathogenic (4); Likely pathogenic (4). Last evaluated 2025-12-12.

Conditions:
Hereditary cancer-predisposing syndrome. Also called: Neoplastic Syndromes, Hereditary; Hereditary neoplastic syndrome; Tumor predisposition; Hereditary Cancer Syndrome. Identifiers: Orphanet 140162, MedGen C0027672, MeSH D009386, MONDO:0015356.
Aplastic anemia. Identifiers: Orphanet 182040, Orphanet 88, MedGen C0002874, MONDO:0015909, OMIM 609135, HP:0001915.
Microcephaly, normal intelligence and immunodeficiency (NBS). Also called: Immunodeficiency, microcephaly with normal intelligence; IMMUNODEFICIENCY, MICROCEPHALY, AND CHROMOSOMAL INSTABILITY; BERLIN BREAKAGE SYNDROME; SEEMANOVA SYNDROME II; Ataxia telangiectasia variant V1; Nijmegen breakage syndrome. Identifiers: Orphanet 647, MedGen C0398791, MONDO:0009623, OMIM 251260.
Acute lymphoid leukemia (ALL). Also called: Lymphoblastic leukemia; Leukemia, acute lymphoblastic, somatic; Acute lymphoblastic leukemia; Acute lymphocytic leukemia. Identifiers: Orphanet 513, MedGen C0023449, MONDO:0004967, OMIM 613065, HP:0006721.
Hereditary breast ovarian cancer syndrome. Also called: Hereditary breast and ovarian cancer; Hereditary breast and/or ovarian cancer syndrome; Hereditary breast and ovarian cancer syndrome (HBOC); Breast and ovarian cancer; BRCA1- and BRCA2-Associated Hereditary Breast and Ovarian Cancer; Hereditary breast and ovarian cancer syndrome. Identifiers: Orphanet 145, MedGen C0677776, MeSH D061325, MONDO:0003582. Disease mechanism: loss of function.

Submissions (8):

Natera, Inc.
Classification: Likely pathogenic for Nijmegen breakage syndrome. Last evaluated: 2025-12-12. Review status: criteria provided, single submitter. Criteria: Natera Variant Classification Schema (03/2026). Collection method: clinical testing. Allele origin: germline.
Comment: The c.141_142delGT variant in NBN is a frameshift variant predicted to shift the reading frame beginning at codon 48 and leads to a stop codon 3 codons downstream. This variant is expected to result in nonsense mediated decay, truncation, or a dysfunctional protein product. This variant is rare in the general population with a frequency below the threshold expected for the associated phenotype(s). Given the available evidence, this variant is classified as Likely Pathogenic.

Fulgent Genetics
Classification: Likely pathogenic for Microcephaly, normal intelligence and immunodeficiency; Aplastic anemia; Acute lymphoid leukemia. Last evaluated: 2024-05-15. Review status: criteria provided, single submitter. Criteria: ACMG Guidelines, 2015. Collection method: clinical testing. Allele origin: germline.

Labcorp Genetics (formerly Invitae), Labcorp
Classification: Pathogenic for Microcephaly, normal intelligence and immunodeficiency. Last evaluated: 2023-10-22. Review status: criteria provided, single submitter. Criteria: Invitae Variant Classification Sherloc (09022015). Collection method: clinical testing. Allele origin: germline.
Comment: This sequence change creates a premature translational stop signal (p.Leu48Asnfs*3) in the NBN gene. It is expected to result in an absent or disrupted protein product. Loss-of-function variants in NBN are known to be pathogenic (PMID: 9590180, 16415040). This variant is present in population databases (rs750375741, gnomAD 0.01%). This variant has not been reported in the literature in individuals affected with NBN-related conditions. ClinVar contains an entry for this variant (Variation ID: 545774). For these reasons, this variant has been classified as Pathogenic.

Ambry Genetics
Classification: Pathogenic for Hereditary cancer-predisposing syndrome. Last evaluated: 2021-12-28. Review status: criteria provided, single submitter. Criteria: Ambry Variant Classification Scheme 2023. Collection method: clinical testing. Allele origin: germline.
Comment: The c.141_142delGT pathogenic mutation, located in coding exon 2 of the NBN gene, results from a deletion of two nucleotides at nucleotide positions 141 to 142, causing a translational frameshift with a predicted alternate stop codon (p.L48Nfs*3). This alteration is expected to result in loss of function by premature protein truncation or nonsense-mediated mRNA decay. As such, this alteration is interpreted as a disease-causing mutation.

Genome-Nilou Lab
Classification: Pathogenic for Microcephaly, normal intelligence and immunodeficiency. Last evaluated: 2021-11-07. Review status: criteria provided, single submitter. Criteria: ACMG Guidelines, 2015. Collection method: clinical testing. Allele origin: germline. Affected: no.

GeneDx
Classification: Likely pathogenic. Last evaluated: 2021-10-26. Review status: criteria provided, single submitter. Criteria: GeneDx Variant Classification Process June 2021. Collection method: clinical testing. Allele origin: germline. Affected: yes.
Comment: Frameshift variant predicted to result in protein truncation or nonsense mediated decay in a gene for which loss-of-function is a known mechanism of disease; Not observed at significant frequency in large population cohorts (Lek et al., 2016); Has not been previously published as pathogenic or benign to our knowledge

Baylor Genetics
Classification: Likely pathogenic for Aplastic anemia. Last evaluated: 2021-09-03. Review status: criteria provided, single submitter. Criteria: ACMG Guidelines, 2015. Collection method: clinical testing. Allele origin: unknown.

Department of Pathology and Laboratory Medicine, Sinai Health System
Classification: Pathogenic for Hereditary breast ovarian cancer syndrome. Last evaluated: 2019-11-13. Review status: criteria provided, single submitter. Criteria: ACMG Guidelines, 2015. Collection method: clinical testing. Allele origin: germline. Affected: yes.

Literature cited by the submitters: PubMed 9590180 (cited by Labcorp Genetics (formerly Invitae), Labcorp); PubMed 16415040 (cited by Labcorp Genetics (formerly Invitae), Labcorp).

NM_002485.5(NBN):c.141_142del (p.Leu48fs)

Gene: NBN (nibrin; minus strand). Cytogenetic location: 8q21.3.
Variant type: Microsatellite.
Coding change: c.141_142del on transcript NM_002485.5 (MANE Select); coding-DNA positions 141 to 142, 2 bases deleted (GT; older notation c.141_142delGT).
Protein change: p.Leu48fs; shifts the reading frame from leucine 48.
Molecular consequence: frameshift variant. On other transcripts: 5 prime UTR variant (1).
Genome position (GRCh38, 1-based): chr8:89,982,751-89,982,752, AC deleted on the plus strand (GT on the coding strand, the reverse complement: NBN is on the minus strand); deleting any 2 consecutive bases within chr8:89,982,751-89,982,755 gives the same sequence; the c. name uses the placement nearest the transcript's 3' end. VCF-style (leftmost placement, unchanged base first): chr8-89982750-AAC-A. GRCh37 (hg19) VCF-style: chr8-90994978-AAC-A.
Other names: c.-158GT[1] (NM_001024688.3); c.141_142delGT (NM_002485.4); short protein forms L48fs.
Identifiers: ClinVar variation 545774 (VCV000545774.27), dbSNP rs750375741, ClinGen allele CA4803050.